The following is an entry in ClinVar:

NM_021009.7(UBC):c.969G>C (p.Pro323=)

Gene: UBC (ubiquitin C; minus strand). Cytogenetic location: 12q24.31.
Variant type: single nucleotide variant.
Coding change: c.969G>C on transcript NM_021009.7 (MANE Select); coding-DNA position 969, G replaced by C.
Protein change: p.Pro323=; no amino-acid change (proline 323 retained).
Molecular consequence: synonymous variant.
Genome position (GRCh38, 1-based): chr12:124,912,803, C>G on the plus strand (G>C on the coding strand, the complement: UBC is on the minus strand). VCF-style: chr12-124912803-C-G. GRCh37 (hg19) VCF-style: chr12-125397349-C-G.
Identifiers: ClinVar variation 4872241 (VCV004872241.2).

ClinVar aggregate classification (germline): Likely benign (1 of 4 stars; one submission).

Submission:

CeGaT Center for Human Genetics Tuebingen
Classification: Likely benign. Last evaluated: 2026-05-01. Review status: criteria provided, single submitter. Criteria: CeGaT Center For Human Genetics Tuebingen Variant Classification Criteria Version 2. Collection method: clinical testing. Allele origin: germline. Affected: yes. Observed: 1 variant allele.
Comment: UBC: BP4, BP7